The following is an entry in ClinVar:

NM_003924.4(PHOX2B):c.823C>G (p.Pro275Ala)

Gene: PHOX2B (paired like homeobox 2B; minus strand). Cytogenetic location: 4p13.
Variant type: single nucleotide variant.
Coding change: c.823C>G on transcript NM_003924.4 (MANE Select); coding-DNA position 823, C replaced by G.
Protein change: p.Pro275Ala; replaces proline 275 with alanine.
Molecular consequence: missense variant.
Genome position (GRCh38, 1-based): chr4:41,745,929, G>C on the plus strand (C>G on the coding strand, the complement: PHOX2B is on the minus strand). VCF-style: chr4-41745929-G-C. GRCh37 (hg19) VCF-style: chr4-41747946-G-C.
Other names: short protein forms P275A.
Identifiers: ClinVar variation 1762577 (VCV001762577.2), dbSNP rs2552096782, ClinGen allele CA356737068.
Genomic context (GRCh38, chr4:41,745,929, plus strand): 5'-GGACGCTGGCGAAGGGACCCCCAAGCGAATCCGGGATGGAGGTGATGGGGCCGGGGCCGG[G>C]AGCCCAGCCTTGTCCAGGGCCCCCAGCCGCAGCCAGGCCTCCAGCTGCCGCCGCTGCCGC-3'
Protein context (NP_003915.2, residues 265-285): AAGGPGQGWA[Pro275Ala]GPGPITSIPD

ClinVar aggregate classification (germline): Uncertain significance (1 of 4 stars; one submission).

Conditions:
Hereditary cancer-predisposing syndrome. Also called: Neoplastic Syndromes, Hereditary; Tumor predisposition; Hereditary Cancer Syndrome; Hereditary neoplastic syndrome. Identifiers: Orphanet 140162, MedGen C0027672, MeSH D009386, MONDO:0015356.

Submission:

Ambry Genetics
Classification: Uncertain significance for Hereditary cancer-predisposing syndrome. Last evaluated: 2022-10-19. Review status: criteria provided, single submitter. Criteria: Ambry Variant Classification Scheme 2023. Collection method: clinical testing. Allele origin: germline.
Comment: The p.P275A variant (also known as c.823C>G), located in coding exon 3 of the PHOX2B gene, results from a C to G substitution at nucleotide position 823. The proline at codon 275 is replaced by alanine, an amino acid with highly similar properties. This amino acid position is conserved. In addition, this alteration is predicted to be tolerated by in silico analysis. Since supporting evidence is limited at this time, the clinical significance of this alteration remains unclear.